The following is an entry in ClinVar:

ClinVar aggregate classification (germline): Uncertain significance (1 of 4 stars; one submission).

Submission:

Greenwood Genetic Center Diagnostic Laboratories, Greenwood Genetic Center
Classification: Uncertain significance. Last evaluated: 2024-01-23. Review status: criteria provided, single submitter. Criteria: ACMG Guidelines, 2015. Collection method: clinical testing. Allele origin: germline. Affected: yes.
Comment: Gene of Uncertain Significance

NM_030626.3(LRRC27):c.1057A>T (p.Met353Leu)

Gene: LRRC27 (leucine rich repeat containing 27; plus strand). Cytogenetic location: 10q26.3.
Variant type: single nucleotide variant.
Coding change: c.1057A>T on transcript NM_030626.3 (MANE Select); coding-DNA position 1057, A replaced by T.
Protein change: p.Met353Leu; replaces methionine 353 with leucine.
Molecular consequence: missense variant. On other transcripts: stop lost (1).
Genome position (GRCh38, 1-based): chr10:132,351,737, A>T. VCF-style: chr10-132351737-A-T. GRCh37 (hg19) VCF-style: chr10-134165241-A-T.
Other names: c.1057A>T, p.Met353Leu (NM_001143757.2, NM_001143758.2); c.1152A>T, p.Ter384Cys (NM_001143759.2); c.676A>T, p.Met226Leu (NM_001309474.2); short protein forms M226L, M353L.
Identifiers: ClinVar variation 3235851 (VCV003235851.1), dbSNP rs2502438981, ClinGen allele CA378766785.